The following is an entry in ClinVar:

NM_198506.5(LRIT3):c.227C>T (p.Ala76Val)

Gene: LRIT3 (leucine rich repeat, Ig-like and transmembrane domains 3; plus strand). Cytogenetic location: 4q25.
Variant type: single nucleotide variant.
Coding change: c.227C>T on transcript NM_198506.5 (MANE Select); coding-DNA position 227, C replaced by T.
Protein change: p.Ala76Val; replaces alanine 76 with valine.
Molecular consequence: missense variant.
Genome position (GRCh38, 1-based): chr4:109,851,614, C>T. VCF-style: chr4-109851614-C-T. GRCh37 (hg19) VCF-style: chr4-110772770-C-T.
Other names: c.92C>T (NM_198506.2); short protein forms A76V.
Identifiers: ClinVar variation 943838 (VCV000943838.5), dbSNP rs987253786, ClinGen allele CA103731910.

ClinVar aggregate classification (germline): Uncertain significance. Review status: criteria provided, multiple submitters, no conflicts (2 of 4 stars). 2 submissions from 2 submitters: Uncertain significance (2). Last evaluated 2024-10-03.

Conditions:
Inborn genetic diseases. Identifiers: MedGen C0950123, MeSH D030342.

Allele frequency attached by ClinVar (database versions not stated): gnomAD exomes 0.00003 and 0.00007; TOPMed 0.00010.

Submissions (2):

Ambry Genetics
Classification: Uncertain significance for Inborn genetic diseases. Last evaluated: 2024-10-03. Review status: criteria provided, single submitter. Criteria: Ambry Variant Classification Scheme 2023. Collection method: clinical testing. Allele origin: germline.

Labcorp Genetics (formerly Invitae), Labcorp
Classification: Uncertain significance. Last evaluated: 2023-12-22. Review status: criteria provided, single submitter. Criteria: Invitae Variant Classification Sherloc (09022015). Collection method: clinical testing. Allele origin: germline.
Comment: This sequence change replaces alanine, which is neutral and non-polar, with valine, which is neutral and non-polar, at codon 76 of the LRIT3 protein (p.Ala76Val). This variant is present in population databases (no rsID available, gnomAD 0.04%). This variant has not been reported in the literature in individuals affected with LRIT3-related conditions. ClinVar contains an entry for this variant (Variation ID: 943838). An algorithm developed to predict the effect of missense changes on protein structure and function (PolyPhen-2) suggests that this variant is likely to be disruptive. In summary, the available evidence is currently insufficient to determine the role of this variant in disease. Therefore, it has been classified as a Variant of Uncertain Significance.